The following is an entry in ClinVar:

NM_012471.3(TRPC5):c.2226T>C (p.Asn742=)

Gene: TRPC5 (transient receptor potential cation channel subfamily C member 5; minus strand). Cytogenetic location: Xq23.
Variant type: single nucleotide variant.
Coding change: c.2226T>C on transcript NM_012471.3 (MANE Select); coding-DNA position 2226, T replaced by C.
Protein change: p.Asn742=; no amino-acid change (asparagine 742 retained).
Molecular consequence: synonymous variant.
Genome position (GRCh38, 1-based): chrX:111,778,991, A>G on the plus strand (T>C on the coding strand, the complement: TRPC5 is on the minus strand). VCF-style: chrX-111778991-A-G. GRCh37 (hg19) VCF-style: chrX-111022219-A-G.
Identifiers: ClinVar variation 4977205 (VCV004977205.1).

ClinVar aggregate classification (germline): Likely benign (1 of 4 stars; one submission).

Conditions:
TRPC5-related disorder. Also called: TRPC5-related condition.

Submission:

PreventionGenetics, part of Exact Sciences
Classification: Likely benign for TRPC5-related condition. Last evaluated: 2026-07-07. Review status: criteria provided, single submitter. Criteria: ACMG Guidelines, 2015. Collection method: clinical testing. Allele origin: germline.
Comment: This variant is classified as likely benign based on ACMG/AMP sequence variant interpretation guidelines (Richards et al. 2015 PMID: 25741868, with internal and published modifications).